The following is an entry in ClinVar:

NM_000393.5(COL5A2):c.*1379A>G

Gene: COL5A2 (collagen type V alpha 2 chain; minus strand). Cytogenetic location: 2q32.2.
Variant type: single nucleotide variant.
Coding change: c.*1379A>G on transcript NM_000393.5 (MANE Select); 1379 bases downstream of the stop codon, A replaced by G.
Molecular consequence: 3 prime UTR variant.
Genome position (GRCh38, 1-based): chr2:189,032,691, T>C on the plus strand (A>G on the coding strand, the complement: COL5A2 is on the minus strand). VCF-style: chr2-189032691-T-C. GRCh37 (hg19) VCF-style: chr2-189897417-T-C.
Identifiers: ClinVar variation 333108 (VCV000333108.6), dbSNP rs114330868, ClinGen allele CA10611777.

ClinVar aggregate classification (germline): Benign (1 of 4 stars; one submission).

Conditions:
Ehlers-Danlos syndrome, classic type, 2 (EDSCL2). Also called: Ehlers-Danlos syndrome, type 2; Ehlers-Danlos syndrome type 2 (formerly); Ehlers-Danlos Syndrome, Classic Type, COL5A2-Related. Identifiers: Orphanet 287, Orphanet 90318, MedGen C0268336, MONDO:0019568, OMIM 130010.

Allele frequency attached by ClinVar (database versions not stated): gnomAD 0.01303 and 0.01181; 1000 Genomes Project 0.01158; TOPMed 0.01354; 1000 Genomes Project 30x 0.01202.

Submission:

Illumina Laboratory Services, Illumina
Classification: Benign for Ehlers-Danlos syndrome, classic type, 2. Last evaluated: 2018-01-12. Review status: criteria provided, single submitter. Criteria: ICSL Variant Classification Criteria 13 December 2019. Collection method: clinical testing. Allele origin: germline.
Comment: This variant was observed in the ICSL laboratory as part of a predisposition screen in an ostensibly healthy population. It had not been previously curated by ICSL or reported in the Human Gene Mutation Database (HGMD: prior to June 1st, 2018), and was therefore a candidate for classification through an automated scoring system. Utilizing variant allele frequency, disease prevalence and penetrance estimates, and inheritance mode, an automated score was calculated to assess if this variant is too frequent to cause the disease. Based on the score and internal cut-off values, a variant classified as benign is not then subjected to further curation. The score for this variant resulted in a classification of benign for this disease.